The following is an entry in ClinVar:

NM_014244.5(ADAMTS2):c.44_45insAGCACGACGA (p.Leu16fs)

Gene: ADAMTS2 (ADAM metallopeptidase with thrombospondin type 1 motif 2; minus strand). Cytogenetic location: 5q35.3.
Variant type: Insertion.
Coding change: c.44_45insAGCACGACGA on transcript NM_014244.5 (MANE Select); coding-DNA positions 44 to 45, AGCACGACGA inserted.
Protein change: p.Leu16fs; shifts the reading frame from leucine 16.
Molecular consequence: frameshift variant.
Genome position: GRCh38 VCF-style: chr5-179345284-C-CTCGTCGTGCT. GRCh37 (hg19) VCF-style: chr5-178772285-C-CTCGTCGTGCT.
Other names: c.44_45insAGCACGACGA, p.Leu16fs (NM_021599.4); short protein forms L16fs.
Identifiers: ClinVar variation 5011305 (VCV005011305.1).

ClinVar aggregate classification (germline): Pathogenic (1 of 4 stars; one submission).

Conditions:
Ehlers-Danlos syndrome, dermatosparaxis type. Also called: EDS VIIC; Dermatosparaxis; Ehlers-Danlos syndrome, type VII, autosomal recessive. Identifiers: Orphanet 1901, MedGen C2700425, MONDO:0009161, OMIM 225410.

Submission:

Myriad Genetics, Inc.
Classification: Pathogenic for Ehlers-Danlos syndrome, dermatosparaxis type. Last evaluated: 2023-08-10. Review status: criteria provided, single submitter. Criteria: Myriad Autosomal Dominant, Autosomal Recessive and X-Linked Classification Criteria (2023). Collection method: clinical testing. Allele origin: unknown.
Comment: NM_014244.4(ADAMTS2):c.44_45ins10(L16Afs*53) is expected to be pathogenic in the context of Ehlers-Danlos syndrome, ADAMTS2-related. This variant is predicted to lead to an abnormal or absent protein product due to the creation of a premature termination codon in ADAMTS2, a gene where loss-of-function variants are known to be pathogenic. Please note: this variant was assessed in the context of healthy population screening.